The following is an entry in ClinVar:

NM_001365999.1(SZT2):c.5039C>A (p.Ser1680Tyr)

Gene: SZT2 (SZT2 subunit of KICSTOR complex; plus strand). Cytogenetic location: 1p34.2.
Variant type: single nucleotide variant.
Coding change: c.5039C>A on transcript NM_001365999.1 (MANE Select); coding-DNA position 5039, C replaced by A.
Protein change: p.Ser1680Tyr; replaces serine 1680 with tyrosine.
Molecular consequence: missense variant.
Genome position (GRCh38, 1-based): chr1:43,431,474, C>A. VCF-style: chr1-43431474-C-A. GRCh37 (hg19) VCF-style: chr1-43897145-C-A.
Other names: c.4868C>A, p.Ser1623Tyr (NM_015284.4); short protein forms S1680Y, S1623Y.
Identifiers: ClinVar variation 3173146 (VCV003173146.2), dbSNP rs1653868760, ClinGen allele CA340023266.

ClinVar aggregate classification (germline): Uncertain significance. Review status: criteria provided, multiple submitters, no conflicts (2 of 4 stars). 2 submissions from 2 submitters: Uncertain significance (2). Last evaluated 2026-03-30.

Conditions:
Inborn genetic diseases. Identifiers: MedGen C0950123, MeSH D030342.

Allele frequency attached by ClinVar (database versions not stated): gnomAD 0.00002.
gnomAD v4.1: 5 of 1,614,074 alleles (0.00031%); highest among the groups gnomAD compares: Admixed American, 0.0067%; no homozygotes.

Submissions (2):

GeneDx
Classification: Uncertain significance. Last evaluated: 2026-03-30. Review status: criteria provided, single submitter. Criteria: GeneDx Variant Classification Process June 2021. Collection method: clinical testing. Allele origin: germline.
Comment: Not observed at significant frequency in large population cohorts (gnomAD); In silico analysis supports that this missense variant has a deleterious effect on protein structure/function; Has not been previously published as pathogenic or benign to our knowledge

Ambry Genetics
Classification: Uncertain significance for Inborn genetic diseases. Last evaluated: 2023-12-18. Review status: criteria provided, single submitter. Criteria: Ambry Variant Classification Scheme 2023. Collection method: clinical testing. Allele origin: germline.